The following is an entry in ClinVar:

ClinVar aggregate classification (germline): Uncertain significance (1 of 4 stars; one submission).

Submission:

CeGaT Center for Human Genetics Tuebingen
Classification: Uncertain significance. Last evaluated: 2023-12-01. Review status: criteria provided, single submitter. Criteria: CeGaT Center For Human Genetics Tuebingen Variant Classification Criteria Version 2. Collection method: clinical testing. Allele origin: germline. Affected: yes. Observed: 1 variant allele.
Comment: USP7: PM2, PP3

NM_003470.3(USP7):c.1573+5G>T

Gene: USP7 (ubiquitin specific peptidase 7; minus strand). Cytogenetic location: 16p13.2.
Variant type: single nucleotide variant.
Coding change: c.1573+5G>T on transcript NM_003470.3 (MANE Select); 5 bases into the intron after coding-DNA position 1573, G replaced by T.
Molecular consequence: intron variant.
Genome position (GRCh38, 1-based): chr16:8,905,182, C>A on the plus strand (G>T on the coding strand, the complement: USP7 is on the minus strand). VCF-style: chr16-8905182-C-A. GRCh37 (hg19) VCF-style: chr16-8999039-C-A.
Other names: c.1399+5G>T (NM_001321858.2); c.1525+5G>T (NM_001286457.2); c.1276+5G>T (NM_001286458.2).
Identifiers: ClinVar variation 3026646 (VCV003026646.22), dbSNP rs2549229060, ClinGen allele CA2695222770.